The following is an entry in ClinVar:

ClinVar aggregate classification (germline): Benign. Review status: criteria provided, multiple submitters, no conflicts (2 of 4 stars). 3 submissions from 3 submitters: Benign (3). Last evaluated 2018-06-14.

Conditions:
Neuronopathy, distal hereditary motor, autosomal recessive 4. Also called: Autosomal recessive lower motor neuron disease with childhood onset; NEUROPATHY, DISTAL HEREDITARY MOTOR, AUTOSOMAL RECESSIVE 4. Identifiers: Orphanet 206580, MedGen C1970211, MONDO:0012608, OMIM 611067.

Allele frequency attached by ClinVar (database versions not stated): gnomAD exomes 0.14683; gnomAD 0.26287 and 0.27269; 1000 Genomes Project 0.26697; TOPMed 0.27424; 1000 Genomes Project 30x 0.27780.
gnomAD v4.1: 101,296 of 567,324 alleles (18%); highest among the groups gnomAD compares: African/African-American, 58%; 14,501 homozygotes.

Submissions (3):

GeneDx
Classification: Benign. Last evaluated: 2018-06-14. Review status: criteria provided, single submitter. Criteria: GeneDx Variant Classification Process June 2021. Collection method: clinical testing. Allele origin: germline. Affected: yes.

Illumina Laboratory Services, Illumina
Classification: Benign for Neuronopathy, distal hereditary motor, autosomal recessive 4. Last evaluated: 2018-01-13. Review status: criteria provided, single submitter. Criteria: ICSL Variant Classification Criteria 13 December 2019. Collection method: clinical testing. Allele origin: germline.
Comment: This variant was observed in the ICSL laboratory as part of a predisposition screen in an ostensibly healthy population. It had not been previously curated by ICSL or reported in the Human Gene Mutation Database (HGMD: prior to June 1st, 2018), and was therefore a candidate for classification through an automated scoring system. Utilizing variant allele frequency, disease prevalence and penetrance estimates, and inheritance mode, an automated score was calculated to assess if this variant is too frequent to cause the disease. Based on the score and internal cut-off values, a variant classified as benign is not then subjected to further curation. The score for this variant resulted in a classification of benign for this disease.

Breakthrough Genomics
Classification: Benign. Review status: criteria provided, single submitter. Criteria: ACMG Guidelines, 2015. Collection method: not provided. Allele origin: germline. Inheritance: Autosomal recessive inheritance. Affected: yes.

NM_020631.6(PLEKHG5):c.*290T>C

Gene: PLEKHG5 (pleckstrin homology and RhoGEF domain containing G5; minus strand). Cytogenetic location: 1p36.31.
Variant type: single nucleotide variant.
Coding change: c.*290T>C on transcript NM_020631.6 (MANE Select); 290 bases downstream of the stop codon, T replaced by C.
Molecular consequence: 3 prime UTR variant.
Genome position (GRCh38, 1-based): chr1:6,467,273, A>G on the plus strand (T>C on the coding strand, the complement: PLEKHG5 is on the minus strand). VCF-style: chr1-6467273-A-G. GRCh37 (hg19) VCF-style: chr1-6527333-A-G.
Other names: c.*290T>C (NM_001042663.3, NM_001042664.2, NM_001042665.2 and 3 more transcripts); c.*318T>C (NM_001265594.3).
Identifiers: ClinVar variation 297928 (VCV000297928.8), dbSNP rs14708, ClinGen allele CA10611364.